The following is an entry in ClinVar:

NM_000053.4(ATP7B):c.2447+1G>T

Gene: ATP7B (ATPase copper transporting beta; minus strand). Cytogenetic location: 13q14.3.
Variant type: single nucleotide variant.
Coding change: c.2447+1G>T on transcript NM_000053.4 (MANE Select); the canonical splice donor site of the intron after coding-DNA position 2447, G replaced by T.
Molecular consequence: splice donor variant. On other transcripts: intron variant (1).
Genome position (GRCh38, 1-based): chr13:51,957,515, C>A on the plus strand (G>T on the coding strand, the complement: ATP7B is on the minus strand). VCF-style: chr13-51957515-C-A. GRCh37 (hg19) VCF-style: chr13-52531651-C-A.
Other names: c.1961+1G>T (NM_001406541.1, NM_001005918.3, NM_001406546.1 and 1 more transcripts); c.2195+1G>T (NM_001406531.1, NM_001406532.1, NM_001406540.1 and 1 more transcripts); c.2213+1G>T (NM_001406527.1, NM_001406528.1, NM_001406534.1 and 2 more transcripts); c.2303+1G>T (NM_001406537.1, NM_001406521.1, NM_001406522.1 and 1 more transcripts); c.2447+1G>T (NM_001406513.1, NM_001406511.1, NM_001406516.1 and 7 more transcripts); c.2099+1G>T (NM_001406543.1); c.2114+1G>T (NM_001243182.2); c.1286-7354G>T (NM_001406548.1); and 8 more.
Identifiers: ClinVar variation 858218 (VCV000858218.17), dbSNP rs1958431105, ClinGen allele CA388020083.

ClinVar aggregate classification (germline): Pathogenic/Likely pathogenic. Review status: criteria provided, multiple submitters, no conflicts (2 of 4 stars). 9 submissions from 9 submitters: Pathogenic (6); Likely pathogenic (2). 1 of the submissions does not count toward it. Last evaluated 2025-10-26.

Conditions:
ATP7B-related disorder. Also called: ATP7B-related condition.
Wilson disease (WND). Also called: Wilson's disease. Identifiers: Orphanet 905, MedGen C0019202, MONDO:0010200, OMIM 277900. Disease mechanism: loss of function.

gnomAD v4.1: 5 of 1,613,032 alleles (0.00031%); highest among the groups gnomAD compares: Non-Finnish European, 0.00042%; no homozygotes.

Submissions (9):

Natera, Inc.
Classification: Pathogenic for Wilson disease. Last evaluated: 2025-10-26. Review status: criteria provided, single submitter. Criteria: Natera Variant Classification Schema (03/2026). Collection method: clinical testing. Allele origin: germline.
Comment: The c.2447+1G>T variant in ATP7B is a canonical splice donor site variant predicted to affect pre-mRNA splicing, which may result in an abnormal transcript and altered protein product. This variant is expected to result in nonsense mediated decay, truncation, or a dysfunctional protein product. This variant is rare in the general population with a frequency below the threshold expected for the associated phenotype(s). This variant has been observed in one or more individuals affected with the associated recessive disease, as either homozygous or compound heterozygous with a second variant (PMID: 32043565). Given the available evidence, this variant is classified as Pathogenic.

Color Diagnostics, LLC DBA Color Health
Classification: Pathogenic for Wilson disease. Last evaluated: 2025-07-28. Review status: criteria provided, single submitter. Criteria: ACMG Guidelines, 2015. Collection method: clinical testing. Allele origin: germline.
Comment: This variant causes a G to T nucleotide substitution at the +1 position of intron 9 of the ATP7B gene. Splice site prediction tools predict that this variant may have a significant impact on RNA splicing. An RNA study using a minigene assay has shown that this variant results in a major transcript having out-of-frame partial loss of exon 9 due to activation of a cryptic donor site, as well as a minor transcript having out-of-frame skipping of entire exon 9 (PMID: 32043565). This variant has been reported in more than a dozen individuals affected with Wilson disease in the compound heterozygous and homozygous state (PMID: 12885331, 18371106, 22677543, 22763723, 32043565). This variant has not been identified in the general population by the Genome Aggregation Database (gnomAD). Loss of ATP7B function is a known mechanism of disease. Based on the available evidence, this variant is classified as Pathogenic.

Labcorp Genetics (formerly Invitae), Labcorp
Classification: Pathogenic for Wilson disease. Last evaluated: 2023-12-19. Review status: criteria provided, single submitter. Criteria: Invitae Variant Classification Sherloc (09022015). Collection method: clinical testing. Allele origin: germline.
Comment: This sequence change affects a donor splice site in intron 9 of the ATP7B gene. It is expected to disrupt RNA splicing. Variants that disrupt the donor or acceptor splice site typically lead to a loss of protein function (PMID: 16199547), and loss-of-function variants in ATP7B are known to be pathogenic (PMID: 10441329, 16283883). This variant is not present in population databases (gnomAD no frequency). Disruption of this splice site has been observed in individual(s) with Wilson disease (PMID: 12885331). ClinVar contains an entry for this variant (Variation ID: 858218). Algorithms developed to predict the effect of sequence changes on RNA splicing suggest that this variant may disrupt the consensus splice site. For these reasons, this variant has been classified as Pathogenic.

Mayo Clinic Laboratories, Mayo Clinic
Classification: Pathogenic. Last evaluated: 2023-03-15. Review status: criteria provided, single submitter. Criteria: ACMG Guidelines, 2015. Collection method: clinical testing. Allele origin: germline. Observed: 2 variant alleles.
Comment: PP4, PM2, PS4_moderate, PVS1

Genome-Nilou Lab
Classification: Pathogenic for Wilson disease. Last evaluated: 2021-08-10. Review status: criteria provided, single submitter. Criteria: ACMG Guidelines, 2015. Collection method: clinical testing. Allele origin: germline. Affected: no.

Women's Health and Genetics/Laboratory Corporation of America, LabCorp
Classification: Pathogenic for Wilson disease. Last evaluated: 2021-06-09. Review status: criteria provided, single submitter. Criteria: LabCorp Variant Classification Summary - May 2015. Collection method: clinical testing. Allele origin: germline.
Comment: Variant summary: ATP7B c.2447+1G>T is located in a canonical splice-site and is predicted to affect mRNA splicing resulting in a significantly altered protein due to either exon skipping, shortening, or inclusion of intronic material. Several computational tools predict a significant impact on normal splicing: Four predict the variant abolishes a 5 splicing donor site. Two predict the variant weakens a 3 acceptor site. Consistent with these predictions, at least one publication reports evidence of aberrant splicing using minigene assay (Sanchez-Monteagudo_2020). The variant was absent in 249578 control chromosomes (gnomAD). c.2447+1G>T has been reported in the literature in individuals affected with Wilson Disease (Sanchez-Monteagudo_2020, Bost_2012, Gojova_2008, Loudianos_2003). These data indicate that the variant is likely to be associated with disease. One ClinVar submitter (evaluation after 2014) cite the variant as pathogenic. Based on the evidence outlined above, the variant was classified as pathogenic.

Laboratory for Molecular Medicine, Mass General Brigham Personalized Medicine
Classification: Likely pathogenic for Wilson disease. Last evaluated: 2020-06-11. Review status: criteria provided, single submitter. Criteria: ACMG Guidelines, 2015. Collection method: clinical testing. Allele origin: germline.
Comment: The c.2447+1G>T variant in ATP7B has been previously reported in 1 individual who was compound heterozygous for a second pathogenic ATP7B variant, though it was not clear if phasing was performed (Bost 2012). It was absent from large population studies. This variant occurs within the canonical splice site (+/- 1,2) and is predicted to cause altered splicing leading to an abnormal or absent protein. Loss of function of the ATP7B gene is an established disease mechanism in autosomal recessive Wilson disease. In summary, although additional studies are required to fully establish its clinical significance, this variant meets criteria to be classified as likely pathogenic for autosomal recessive Wilson disease. ACMG/AMP Criteria applied: PVS1_Strong, PM2, PM3_Supporting.

Blueprint Genetics
Classification: Likely pathogenic for ATP7B-related disorders. Last evaluated: 2018-12-31. Review status: criteria provided, single submitter. Criteria: ACMG Guidelines, 2015. Collection method: clinical testing. Allele origin: germline. Affected: yes. Observed: 1 variant allele.

Genomics And Bioinformatics Analysis Resource, Columbia University
Classification: Pathogenic for Wilson disease. Review status: no assertion criteria provided. Collection method: research. Allele origin: unknown. Affected: yes. Not counted in ClinVar's aggregate classification.
Comment: Compound Heterozygous

Literature cited by the submitters: PubMed 32043565 (cited by 4 submitters); PubMed 12885331 (cited by 4 submitters); PubMed 18371106 (cited by 4 submitters); PubMed 22677543 (cited by 4 submitters); PubMed 22763723 (cited by Color Diagnostics, LLC DBA Color Health); PubMed 16199547 (cited by Labcorp Genetics (formerly Invitae), Labcorp); PubMed 10441329 (cited by Labcorp Genetics (formerly Invitae), Labcorp); PubMed 16283883 (cited by Labcorp Genetics (formerly Invitae), Labcorp); PubMed 34131283 (cited by Mayo Clinic Laboratories, Mayo Clinic); PubMed 27022412 (cited by Laboratory for Molecular Medicine, Mass General Brigham Personalized Medicine); PubMed 30120852 (cited by Laboratory for Molecular Medicine, Mass General Brigham Personalized Medicine).